The following is an entry in ClinVar:

NM_005670.4(EPM2A):c.903G>C (p.Pro301=)

Gene: EPM2A (EPM2A glucan phosphatase, laforin; minus strand). Cytogenetic location: 6q24.3.
Variant type: single nucleotide variant.
Coding change: c.903G>C on transcript NM_005670.4 (MANE Select); coding-DNA position 903, G replaced by C.
Protein change: p.Pro301=; no amino-acid change (proline 301 retained).
Molecular consequence: synonymous variant. On other transcripts: missense variant (1), non-coding transcript variant (1).
Genome position (GRCh38, 1-based): chr6:145,627,509, C>G on the plus strand (G>C on the coding strand, the complement: EPM2A is on the minus strand). VCF-style: chr6-145627509-C-G. GRCh37 (hg19) VCF-style: chr6-145948645-C-G.
Other names: p.P301P:CCG>CCC; c.903G>C, p.Pro301= (NM_001018041.2); c.661G>C, p.Gly221Arg (NM_001360057.2); c.489G>C, p.Pro163= (NM_001360064.2, NM_001360071.2, NM_001368131.1); c.441G>C, p.Pro147= (NM_001368129.2, NM_001368132.1); short protein forms G221R.
Identifiers: ClinVar variation 137220 (VCV000137220.21), dbSNP rs141361861, ClinGen allele CA302981.

ClinVar aggregate classification (germline): Benign/Likely benign. Review status: criteria provided, multiple submitters, no conflicts (2 of 4 stars). 5 submissions from 5 submitters: Benign (3); Likely benign (2). Last evaluated 2026-01-28.

Conditions:
Inborn genetic diseases. Identifiers: MedGen C0950123, MeSH D030342.
Progressive myoclonic epilepsy. Also called: Myoclonic Epilepsies, Progressive; Myoclonus epilepsy; Progressive myoclonus epilepsy; Familial progressive myoclonic epilepsy. Identifiers: Orphanet 308, Orphanet 98261, MedGen C0751778, MONDO:0020074.

Allele frequency attached by ClinVar (database versions not stated): TOPMed 0.00248; ESP Exome Variant Server 0.00269; 1000 Genomes Project 30x 0.00515; 1000 Genomes Project 0.00519.
gnomAD v4.1: 772 of 1,614,248 alleles (0.048%); highest among the groups gnomAD compares: African/African-American, 0.9%; 5 homozygotes.

Submissions (5):

Labcorp Genetics (formerly Invitae), Labcorp
Classification: Benign for Progressive myoclonic epilepsy. Last evaluated: 2026-01-28. Review status: criteria provided, single submitter. Criteria: Invitae Variant Classification Sherloc (09022015). Collection method: clinical testing. Allele origin: germline.

Blueprint Genetics
Classification: Likely benign. Last evaluated: 2023-12-04. Review status: criteria provided, single submitter. Criteria: ACMG Guidelines, 2015. Collection method: clinical testing. Allele origin: germline.

Ambry Genetics
Classification: Likely benign for Inborn genetic diseases. Last evaluated: 2016-07-05. Review status: criteria provided, single submitter. Criteria: Ambry Variant Classification Scheme 2023. Collection method: clinical testing. Allele origin: germline.

Eurofins Ntd Llc (ga)
Classification: Benign. Last evaluated: 2014-12-17. Review status: criteria provided, single submitter. Criteria: EGL Classification Definitions 2015. Collection method: clinical testing. Allele origin: germline. Observed: 2 variant alleles, 2 heterozygotes.

GeneDx
Classification: Benign. Last evaluated: 2013-04-12. Review status: criteria provided, single submitter. Criteria: GeneDx Variant Classification (06012015). Collection method: clinical testing. Allele origin: germline. Affected: yes.
Comment: This variant is considered likely benign or benign based on one or more of the following criteria: it is a conservative change, it occurs at a poorly conserved position in the protein, it is predicted to be benign by multiple in silico algorithms, and/or has population frequency not consistent with disease.